The following is an entry in ClinVar:

ClinVar aggregate classification (germline): Conflicting classifications of pathogenicity. Review status: criteria provided, conflicting classifications (1 of 4 stars). 2 submissions from 2 submitters: Uncertain significance (1); Likely benign (1). Last evaluated 2025-06-24.

Conditions:
Hypertrophic cardiomyopathy. Also called: HYPERTROPHIC MYOCARDIOPATHY. Identifiers: Orphanet 217569, MedGen C0007194, MeSH D002312, MONDO:0005045, HP:0001639.
Cardiovascular phenotype. Identifiers: MedGen CN230736.

Submissions (2):

Ambry Genetics
Classification: Likely benign for Cardiovascular phenotype. Last evaluated: 2025-06-24. Review status: criteria provided, single submitter. Criteria: Ambry Variant Classification Scheme 2023. Collection method: clinical testing. Allele origin: germline.

Labcorp Genetics (formerly Invitae), Labcorp
Classification: Uncertain significance for Hypertrophic cardiomyopathy. Last evaluated: 2018-09-20. Review status: criteria provided, single submitter. Criteria: Invitae Variant Classification Sherloc (09022015). Collection method: clinical testing. Allele origin: germline.
Comment: This sequence change replaces methionine with threonine at codon 292 of the JPH2 protein (p.Met292Thr). The methionine residue is highly conserved and there is a moderate physicochemical difference between methionine and threonine. This variant is not present in population databases (ExAC no frequency). This variant has not been reported in the literature in individuals with JPH2-related disease. Algorithms developed to predict the effect of missense changes on protein structure and function (SIFT, PolyPhen-2, Align-GVGD) all suggest that this variant is likely to be disruptive, but these predictions have not been confirmed by published functional studies and their clinical significance is uncertain. In summary, the available evidence is currently insufficient to determine the role of this variant in disease. Therefore, it has been classified as a Variant of Uncertain Significance.

Literature cited by the submitters: PubMed 33552729 (cited by Ambry Genetics).

NM_020433.5(JPH2):c.875T>C (p.Met292Thr)

Gene: JPH2 (junctophilin 2; minus strand). Cytogenetic location: 20q13.12.
Variant type: single nucleotide variant.
Coding change: c.875T>C on transcript NM_020433.5 (MANE Select); coding-DNA position 875, T replaced by C.
Protein change: p.Met292Thr; replaces methionine 292 with threonine.
Molecular consequence: missense variant.
Genome position (GRCh38, 1-based): chr20:44,159,912, A>G on the plus strand (T>C on the coding strand, the complement: JPH2 is on the minus strand). VCF-style: chr20-44159912-A-G. GRCh37 (hg19) VCF-style: chr20-42788552-A-G.
Other names: short protein forms M292T.
Identifiers: ClinVar variation 650264 (VCV000650264.9), dbSNP rs1380514288, ClinGen allele CA409093490.
Genomic context (GRCh38, chr20:44,159,912, plus strand): 5'-AGGCCACTGGAGCGTTCGCTCACGCCGAAGCCCGAGCGTTTGTCGTTCTTCCACTCGCCC[A>G]TGTAGGTCTCGGTGGTGGTGGCGTCGATATCGGCCTCGAAGGGTGCGGCCTCGTCGGCGC-3'
Protein context (NP_065166.2, residues 282-302): DIDATTTETY[Met292Thr]GEWKNDKRSG